The following is an entry in ClinVar:

NM_006231.4(POLE):c.1248C>T (p.Tyr416=)

Gene: POLE (DNA polymerase epsilon, catalytic subunit; minus strand). Cytogenetic location: 12q24.33.
Variant type: single nucleotide variant.
Coding change: c.1248C>T on transcript NM_006231.4 (MANE Select); coding-DNA position 1248, C replaced by T.
Protein change: p.Tyr416=; no amino-acid change (tyrosine 416 retained).
Molecular consequence: synonymous variant.
Genome position (GRCh38, 1-based): chr12:132,673,686, G>A on the plus strand (C>T on the coding strand, the complement: POLE is on the minus strand). VCF-style: chr12-132673686-G-A. GRCh37 (hg19) VCF-style: chr12-133250272-G-A.
Identifiers: ClinVar variation 1655084 (VCV001655084.9), dbSNP rs2136000621, ClinGen allele CA482722829.

ClinVar aggregate classification (germline): Benign/Likely benign. Review status: criteria provided, multiple submitters, no conflicts (2 of 4 stars). 2 submissions from 2 submitters: Benign (1); Likely benign (1). Last evaluated 2025-02-10.

Conditions:
Colorectal cancer, susceptibility to, 12 (CRCS12). Also called: COLORECTAL CANCER, SUSCEPTIBILITY TO, ON CHROMOSOME 12q24. Identifiers: Orphanet 220460, MedGen C3554460, MONDO:0014038, OMIM 615083.

Allele frequency attached by ClinVar (database versions not stated): gnomAD exomes below 0.00001.
gnomAD v4.1: 1 of 1,613,990 alleles (0.000062%); highest among the groups gnomAD compares: Non-Finnish European, 0.000085%; no homozygotes.

Submissions (2):

Myriad Genetics, Inc.
Classification: Benign for Colorectal cancer, susceptibility to, 12. Last evaluated: 2025-02-10. Review status: criteria provided, single submitter. Criteria: Myriad Autosomal Dominant, Autosomal Recessive and X-Linked Classification Criteria (2023). Collection method: clinical testing. Allele origin: unknown.
Comment: This variant is considered benign. This variant is a silent/synonymous amino acid change and it is not expected to impact splicing.

Labcorp Genetics (formerly Invitae), Labcorp
Classification: Likely benign. Last evaluated: 2021-11-20. Review status: criteria provided, single submitter. Criteria: Invitae Variant Classification Sherloc (09022015). Collection method: clinical testing. Allele origin: germline.